The following is an entry in ClinVar:

ClinVar aggregate classification (germline): Uncertain significance (1 of 4 stars; one submission).

Allele frequency attached by ClinVar (database versions not stated): ExAC 0.00001; TOPMed 0.00001; gnomAD exomes 0.00002.

Submission:

Labcorp Genetics (formerly Invitae), Labcorp
Classification: Uncertain significance. Last evaluated: 2022-05-19. Review status: criteria provided, single submitter. Criteria: Invitae Variant Classification Sherloc (09022015). Collection method: clinical testing. Allele origin: germline.
Comment: This sequence change replaces arginine, which is basic and polar, with histidine, which is basic and polar, at codon 186 of the GRM6 protein (p.Arg186His). This variant is present in population databases (rs746475637, gnomAD 0.003%). This variant has not been reported in the literature in individuals affected with GRM6-related conditions. Advanced modeling of protein sequence and biophysical properties (such as structural, functional, and spatial information, amino acid conservation, physicochemical variation, residue mobility, and thermodynamic stability) performed at Invitae indicates that this missense variant is expected to disrupt GRM6 protein function. In summary, the available evidence is currently insufficient to determine the role of this variant in disease. Therefore, it has been classified as a Variant of Uncertain Significance.

NM_000843.4(GRM6):c.557G>A (p.Arg186His)

Gene: GRM6 (glutamate metabotropic receptor 6; minus strand). Cytogenetic location: 5q35.3.
Variant type: single nucleotide variant.
Coding change: c.557G>A on transcript NM_000843.4 (MANE Select); coding-DNA position 557, G replaced by A.
Protein change: p.Arg186His; replaces arginine 186 with histidine.
Molecular consequence: missense variant.
Genome position (GRCh38, 1-based): chr5:178,992,031, C>T on the plus strand (G>A on the coding strand, the complement: GRM6 is on the minus strand). VCF-style: chr5-178992031-C-T. GRCh37 (hg19) VCF-style: chr5-178419032-C-T.
Other names: short protein forms R186H.
Identifiers: ClinVar variation 1908731 (VCV001908731.2), dbSNP rs746475637, ClinGen allele CA3594493.